The following is an entry in ClinVar:

NM_000843.4(GRM6):c.768_789dup (p.Ile264fs)

Gene: GRM6 (glutamate metabotropic receptor 6; minus strand). Cytogenetic location: 5q35.3.
Variant type: Duplication.
Coding change: c.768_789dup on transcript NM_000843.4 (MANE Select); coding-DNA positions 768 to 789, 22 bases duplicated (GCCAGGAGAGTTCAGCAAGGTG).
Protein change: p.Ile264fs; shifts the reading frame from isoleucine 264.
Molecular consequence: frameshift variant.
Genome position (GRCh38, 1-based): chr5:178,991,492-178,991,513, CACCTTGCTGAACTCTCCTGGC duplicated on the plus strand (GCCAGGAGAGTTCAGCAAGGTG on the coding strand, the reverse complement: GRM6 is on the minus strand). VCF-style (leftmost placement, unchanged base first): chr5-178991491-T-TCACCTTGCTGAACTCTCCTGGC. GRCh37 (hg19) VCF-style: chr5-178418492-T-TCACCTTGCTGAACTCTCCTGGC.
Other names: short protein forms I264fs.
Identifiers: ClinVar variation 2788741 (VCV002788741.3), dbSNP rs2480398616, ClinGen allele CA2676845558.
Genomic context (GRCh38, chr5:178,991,491, plus strand): 5'-CATCCTCATTGGCAAAGATGATGATGCCCCGGGCGTTGGGCGTCTCCATGAGTCTCCTGA[T>TCACCTTGCTGAACTCTCCTGGC]CACCTTGCTGAACTCTCCTGGCTTTGGTTCCCTGGGAATCTTGATAGACTGGGCAATACA-3'

ClinVar aggregate classification (germline): Pathogenic (1 of 4 stars; one submission).

Allele frequency attached by ClinVar (database versions not stated): gnomAD exomes below 0.00001.

Submission:

Labcorp Genetics (formerly Invitae), Labcorp
Classification: Pathogenic. Last evaluated: 2023-11-16. Review status: criteria provided, single submitter. Criteria: Invitae Variant Classification Sherloc (09022015). Collection method: clinical testing. Allele origin: germline.
Comment: This sequence change creates a premature translational stop signal (p.Ile264Alafs*26) in the GRM6 gene. It is expected to result in an absent or disrupted protein product. Loss-of-function variants in GRM6 are known to be pathogenic (PMID: 15781871, 16622103, 22008250). This variant is not present in population databases (gnomAD no frequency). This variant has not been reported in the literature in individuals affected with GRM6-related conditions. For these reasons, this variant has been classified as Pathogenic.

Literature cited by the submitters: PubMed 15781871; PubMed 16622103; PubMed 22008250.